The following is an entry in ClinVar:

NM_000208.4(INSR):c.3802C>G (p.Leu1268Val)

Gene: INSR (insulin receptor; minus strand). Cytogenetic location: 19p13.2.
Variant type: single nucleotide variant.
Coding change: c.3802C>G on transcript NM_000208.4 (MANE Select); coding-DNA position 3802, C replaced by G.
Protein change: p.Leu1268Val; replaces leucine 1268 with valine.
Molecular consequence: missense variant.
Genome position (GRCh38, 1-based): chr19:7,117,403, G>C on the plus strand (C>G on the coding strand, the complement: INSR is on the minus strand). VCF-style: chr19-7117403-G-C. GRCh37 (hg19) VCF-style: chr19-7117414-G-C.
Other names: c.3766C>G, p.Leu1256Val (NM_001079817.3); short protein forms L1256V, L1268V.
Identifiers: ClinVar variation 3354902 (VCV003354902.1).

ClinVar aggregate classification (germline): Uncertain significance (0 of 4 stars; one submission).

Conditions:
INSR-related disorder.

gnomAD v4.1: 6 of 1,612,912 alleles (0.00037%); highest among the groups gnomAD compares: African/African-American, 0.0067%; no homozygotes.

Submission:

PreventionGenetics, part of Exact Sciences
Classification: Uncertain significance for INSR-related condition. Last evaluated: 2024-04-22. Review status: no assertion criteria provided. Collection method: clinical testing. Allele origin: germline.
Comment: The INSR c.3802C>G variant is predicted to result in the amino acid substitution p.Leu1268Val. To our knowledge, this variant has not been reported in the literature. This variant is reported in 0.0062% of alleles in individuals of African descent in gnomAD. At this time, the clinical significance of this variant is uncertain due to the absence of conclusive functional and genetic evidence.